The following is an entry in ClinVar:

ClinVar aggregate classification (germline): Uncertain significance. Review status: criteria provided, single submitter (1 of 4 stars). 2 submissions from 2 submitters: Uncertain significance (1). 1 of the submissions does not count toward it. Last evaluated 2026-01-04.

Conditions:
PHIP-related disorder. Also called: PHIP-related disorders; PHIP-related condition.

Allele frequency attached by ClinVar (database versions not stated): gnomAD 0.00001; gnomAD exomes 0.00001 and 0.00005; ExAC 0.00004.
gnomAD v4.1: 17 of 1,495,214 alleles (0.0011%); highest among the groups gnomAD compares: Admixed American, 0.029%; no homozygotes.

Submissions (2):

Labcorp Genetics (formerly Invitae), Labcorp
Classification: Uncertain significance. Last evaluated: 2026-01-04. Review status: criteria provided, single submitter. Criteria: Invitae Variant Classification Sherloc (09022015). Collection method: clinical testing. Allele origin: germline.
Comment: This sequence change falls in intron 29 of the PHIP gene. It does not directly change the encoded amino acid sequence of the PHIP protein. It affects a nucleotide within the consensus splice site. This variant is present in population databases (rs750398037, gnomAD 0.04%), and has an allele count higher than expected for a pathogenic variant. This variant has not been reported in the literature in individuals affected with PHIP-related conditions. ClinVar contains an entry for this variant (Variation ID: 1365257). Variants that disrupt the consensus splice site are a relatively common cause of aberrant splicing (PMID: 17576681, 9536098). Algorithms developed to predict the effect of sequence changes on RNA splicing suggest that this variant is not likely to affect RNA splicing. In summary, the available evidence is currently insufficient to determine the role of this variant in disease. Therefore, it has been classified as a Variant of Uncertain Significance.

PreventionGenetics, part of Exact Sciences
Classification: Likely benign for PHIP-related condition. Last evaluated: 2021-12-29. Review status: no assertion criteria provided. Collection method: clinical testing. Allele origin: germline. Not counted in ClinVar's aggregate classification.
Comment: This variant is classified as likely benign based on ACMG/AMP sequence variant interpretation guidelines (Richards et al. 2015 PMID: 25741868, with internal and published modifications).

Literature cited by the submitters: PubMed 17576681 (cited by Labcorp Genetics (formerly Invitae), Labcorp); PubMed 9536098 (cited by Labcorp Genetics (formerly Invitae), Labcorp).

NM_017934.7(PHIP):c.3379+6T>C

Genes: IRAK1BP1 (interleukin 1 receptor associated kinase 1 binding protein 1; plus strand), PHIP (PHIP subunit of CUL4-Ring ligase complex; minus strand). Cytogenetic location: 6q14.1.
Variant type: single nucleotide variant.
Coding change: c.3379+6T>C on transcript NM_017934.7 (MANE Select); 6 bases into the intron after coding-DNA position 3379, T replaced by C.
Molecular consequence: intron variant.
Genome position (GRCh38, 1-based): chr6:78,965,697, A>G on the plus strand (T>C on the coding strand, the complement: PHIP is on the minus strand). VCF-style: chr6-78965697-A-G. GRCh37 (hg19) VCF-style: chr6-79675414-A-G.
Other names: c.3379+6T>C (NM_017934.6).
Identifiers: ClinVar variation 1365257 (VCV001365257.7), dbSNP rs750398037, ClinGen allele CA3899721.
Genomic context (GRCh38, chr6:78,965,697, plus strand): 5'-ATCTTAAATAATTTCTTAAGAAATTAACTCCATAATGGAGAAACAAAAAGCCTAACACAC[A>G]CTTACCATTATTAGGTATAAGCTCCATATCCCAAGGACTCATCTTTTCTGTATCTCCATT-3'